The following is an entry in ClinVar:

NM_004366.6(CLCN2):c.1930C>T (p.Arg644Cys)

Gene: CLCN2 (chloride voltage-gated channel 2; minus strand). Cytogenetic location: 3q27.1.
Variant type: single nucleotide variant.
Coding change: c.1930C>T on transcript NM_004366.6 (MANE Select); coding-DNA position 1930, C replaced by T.
Protein change: p.Arg644Cys; replaces arginine 644 with cysteine.
Molecular consequence: missense variant.
Genome position (GRCh38, 1-based): chr3:184,353,348, G>A on the plus strand (C>T on the coding strand, the complement: CLCN2 is on the minus strand). VCF-style: chr3-184353348-G-A. GRCh37 (hg19) VCF-style: chr3-184071136-G-A.
Other names: c.1879C>T, p.Arg627Cys (NM_001171087.3); c.1798C>T, p.Arg600Cys (NM_001171088.3); c.1930C>T, p.Arg644Cys (NM_001171089.3); short protein forms R644C, R600C, R627C.
Identifiers: ClinVar variation 217774 (VCV000217774.36), dbSNP rs148545588, ClinGen allele CA347659.

ClinVar aggregate classification (germline): Benign/Likely benign. Review status: criteria provided, multiple submitters, no conflicts (2 of 4 stars). 7 submissions from 7 submitters: Benign (1); Likely benign (4). 2 of the submissions do not count toward it. Last evaluated 2026-02-01.

Conditions:
CLCN2-related disorder. Also called: CLCN2-related condition; CLCN2-related disorders.
Familial hyperaldosteronism type II. Also called: FH II. Identifiers: Orphanet 404, MedGen C1854107, MONDO:0011576, OMIM 605635.
Epilepsy, idiopathic generalized, susceptibility to, 11 (EIG11). Identifiers: Orphanet 307, MedGen C2750893, MONDO:0011875, OMIM 607628.
Leukoencephalopathy with mild cerebellar ataxia and white matter edema (LKPAT). Also called: CLCN2-Related Leukoencephalopathy; Leukoencephalopathy with white matter edema; Brain white matter edema; Leukoencephalopathy with ataxia. Identifiers: Orphanet 363540, MedGen C4554120, MONDO:0014292, OMIM 615651. Disease mechanism: loss of function.

Allele frequency attached by ClinVar (database versions not stated): gnomAD 0.00143 and 0.00119; ExAC 0.00196; 1000 Genomes Project 0.00220; ESP Exome Variant Server 0.00077; TOPMed 0.00149; gnomAD exomes 0.00190; 1000 Genomes Project 30x 0.00234.
gnomAD v4.1: 2,546 of 1,613,294 alleles (0.16%); highest among the groups gnomAD compares: South Asian, 0.8%; 12 homozygotes.

Submissions (7):

CeGaT Center for Human Genetics Tuebingen
Classification: Likely benign. Last evaluated: 2026-02-01. Review status: criteria provided, single submitter. Criteria: CeGaT Center For Human Genetics Tuebingen Variant Classification Criteria Version 2. Collection method: clinical testing. Allele origin: germline. Affected: yes. Observed: 4 variant alleles.
Comment: CLCN2: BS2

Labcorp Genetics (formerly Invitae), Labcorp
Classification: Likely benign. Last evaluated: 2026-02-01. Review status: criteria provided, single submitter. Criteria: Invitae Variant Classification Sherloc (09022015). Collection method: clinical testing. Allele origin: germline.

Blueprint Genetics
Classification: Likely benign. Last evaluated: 2024-11-21. Review status: criteria provided, single submitter. Criteria: ACMG Guidelines, 2015. Collection method: clinical testing. Allele origin: germline.

Fulgent Genetics
Classification: Likely benign for Familial hyperaldosteronism type II; Epilepsy, idiopathic generalized, susceptibility to, 11; Leukoencephalopathy with mild cerebellar ataxia and white matter edema. Last evaluated: 2021-07-26. Review status: criteria provided, single submitter. Criteria: ACMG Guidelines, 2015. Collection method: clinical testing. Allele origin: unknown.

GeneDx
Classification: Benign. Last evaluated: 2015-03-03. Review status: criteria provided, single submitter. Criteria: GeneDx Variant Classification Process June 2021. Collection method: clinical testing. Allele origin: germline. Affected: yes.

PreventionGenetics, part of Exact Sciences
Classification: Benign for CLCN2-related condition. Last evaluated: 2019-05-13. Review status: no assertion criteria provided. Collection method: clinical testing. Allele origin: germline. Not counted in ClinVar's aggregate classification.
Comment: This variant is classified as benign based on ACMG/AMP sequence variant interpretation guidelines (Richards et al. 2015 PMID: 25741868, with internal and published modifications).

GeneReviews
No classification provided. Condition: Leukoencephalopathy with mild cerebellar ataxia and white matter edema. Review status: no classification provided. Collection method: literature only. Allele origin: germline. Affected: yes. Not counted in ClinVar's aggregate classification.

Literature cited by the submitters: PubMed 19191339 (cited by GeneReviews); NCBI Bookshelf NBK326661 (cited by GeneReviews).